The following is an entry in ClinVar:

NM_014363.6(SACS):c.7379_7380del (p.Leu2460fs)

Gene: SACS (sacsin molecular chaperone; minus strand). Cytogenetic location: 13q12.12.
Variant type: Deletion.
Coding change: c.7379_7380del on transcript NM_014363.6 (MANE Select); coding-DNA positions 7379 to 7380, 2 bases deleted (TT; older notation c.7379_7380delTT).
Protein change: p.Leu2460fs; shifts the reading frame from leucine 2460.
Molecular consequence: frameshift variant.
Genome position (GRCh38, 1-based): chr13:23,336,496-23,336,497, AA deleted on the plus strand (TT on the coding strand, the reverse complement: SACS is on the minus strand). VCF-style (leftmost placement, unchanged base first): chr13-23336495-GAA-G. GRCh37 (hg19) VCF-style: chr13-23910634-GAA-G.
Other names: c.6938_6939del, p.Leu2313fs (NM_001278055.2); short protein forms L2313fs, L2460fs.
Identifiers: ClinVar variation 2712402 (VCV002712402.3), dbSNP rs2542234686, ClinGen allele CA2697551670.
Genomic context (GRCh38, chr13:23,336,495, plus strand): 5'-CAGTGGTATCCTTTACTTTTATCCAAGGGCAATCATTGTAGCATAACGATTTAGCAGGGA[GAA>G]GCATAAGATTAGTATCTGGCAATAATATCTTGCCATAATTTTTCTCACAAAATTCTTGTT-3'

ClinVar aggregate classification (germline): Pathogenic (1 of 4 stars; one submission).

Conditions:
Spastic paraplegia. Identifiers: MedGen C0037772, HP:0001258.

Submission:

Labcorp Genetics (formerly Invitae), Labcorp
Classification: Pathogenic for Spastic paraplegia. Last evaluated: 2023-06-11. Review status: criteria provided, single submitter. Criteria: Invitae Variant Classification Sherloc (09022015). Collection method: clinical testing. Allele origin: germline.
Comment: This sequence change creates a premature translational stop signal (p.Leu2460Profs*4) in the SACS gene. While this is not anticipated to result in nonsense mediated decay, it is expected to disrupt the last 2120 amino acid(s) of the SACS protein. This variant is not present in population databases (gnomAD no frequency). This variant has not been reported in the literature in individuals affected with SACS-related conditions. This variant disrupts a region of the SACS protein in which other variant(s) (p.Asn4549Asp) have been determined to be pathogenic (PMID: 15156359, 21507954). This suggests that this is a clinically significant region of the protein, and that variants that disrupt it are likely to be disease-causing. For these reasons, this variant has been classified as Pathogenic.

Literature cited by the submitters: PubMed 15156359; PubMed 21507954.